The following is an entry in ClinVar:

ClinVar aggregate classification (germline): Uncertain significance. Review status: criteria provided, multiple submitters, no conflicts (2 of 4 stars). 2 submissions from 2 submitters: Uncertain significance (2). Last evaluated 2026-02-03.

Conditions:
Developmental and epileptic encephalopathy, 9 (DEE9). Also called: Early infantile epileptic encephalopathy 9; JUBERG-HELLMAN SYNDROME; PCDH19-Related X-Linked Female-Limited Epilepsy with Mental Retardation; EPILEPSY, FEMALE-RESTRICTED, WITH MENTAL RETARDATION. Identifiers: Orphanet 101039, Orphanet 2076, MedGen C1848137, MONDO:0010246, OMIM 300088. Disease mechanism: loss of function.
Inborn genetic diseases. Identifiers: MedGen C0950123, MeSH D030342.

Allele frequency attached by ClinVar (database versions not stated): gnomAD exomes 0.00003; TOPMed 0.00003; ExAC 0.00004; gnomAD 0.00005.
gnomAD v4.1: 41 of 1,203,956 alleles (0.0034%); highest among the groups gnomAD compares: South Asian, 0.012%; no homozygotes.

Submissions (2):

Labcorp Genetics (formerly Invitae), Labcorp
Classification: Uncertain significance for Developmental and epileptic encephalopathy, 9. Last evaluated: 2026-02-03. Review status: criteria provided, single submitter. Criteria: Invitae Variant Classification Sherloc (09022015). Collection method: clinical testing. Allele origin: germline.
Comment: This sequence change replaces alanine, which is neutral and non-polar, with serine, which is neutral and polar, at codon 58 of the PCDH19 protein (p.Ala58Ser). This variant is present in population databases (rs763745318, gnomAD 0.005%). This variant has not been reported in the literature in individuals affected with PCDH19-related conditions. ClinVar contains an entry for this variant (Variation ID: 588339). Invitae Evidence Modeling of protein sequence and biophysical properties (such as structural, functional, and spatial information, amino acid conservation, physicochemical variation, residue mobility, and thermodynamic stability) indicates that this missense variant is not expected to disrupt PCDH19 protein function with a negative predictive value of 95%. In summary, the available evidence is currently insufficient to determine the role of this variant in disease. Therefore, it has been classified as a Variant of Uncertain Significance.

Ambry Genetics
Classification: Uncertain significance for Inborn genetic diseases. Last evaluated: 2024-12-23. Review status: criteria provided, single submitter. Criteria: Ambry Variant Classification Scheme 2023. Collection method: clinical testing. Allele origin: germline.

NM_001184880.2(PCDH19):c.172G>T (p.Ala58Ser)

Gene: PCDH19 (protocadherin 19; minus strand). Cytogenetic location: Xq22.1.
Variant type: single nucleotide variant.
Coding change: c.172G>T on transcript NM_001184880.2 (MANE Select); coding-DNA position 172, G replaced by T.
Protein change: p.Ala58Ser; replaces alanine 58 with serine.
Molecular consequence: missense variant.
Genome position (GRCh38, 1-based): chrX:100,408,426, C>A on the plus strand (G>T on the coding strand, the complement: PCDH19 is on the minus strand). VCF-style: chrX-100408426-C-A. GRCh37 (hg19) VCF-style: chrX-99663424-C-A.
Other names: c.172G>T, p.Ala58Ser (NM_001105243.2, NM_020766.3); short protein forms A58S.
Identifiers: ClinVar variation 588339 (VCV000588339.14), dbSNP rs763745318, ClinGen allele CA10469011.